The following is an entry in ClinVar:

ClinVar aggregate classification (germline): Uncertain significance. Review status: no assertion criteria provided (0 of 4 stars). 2 submissions from 1 submitter: Uncertain significance (1). 1 of the submissions does not count toward it.

Submissions (2):

Richard Lifton Laboratory, Yale University School of Medicine
Classification: Uncertain significance. Review status: no assertion criteria provided. Collection method: not provided. Allele origin: somatic.
Comment: TTC21B:p.Q747R
ClinVar note: Converted during submission from unknown to Uncertain significance.

Richard Lifton Laboratory, Yale University School of Medicine
Classification: Uncertain significance. Review status: flagged submission. Collection method: not provided. Allele origin: somatic. Not counted in ClinVar's aggregate classification.
ClinVar note: Converted during submission from unknown to Uncertain significance.
ClinVar note: Reason: This record appears to be redundant with a more recent record from the same submitter.
ClinVar note: Notes: SCV000120101 appears to be redundant with SCV000155205.

NM_024753.5(TTC21B):c.2240A>G (p.Gln747Arg)

Gene: TTC21B (tetratricopeptide repeat domain 21B; minus strand). Cytogenetic location: 2q24.3.
Variant type: single nucleotide variant.
Coding change: c.2240A>G on transcript NM_024753.5 (MANE Select); coding-DNA position 2240, A replaced by G.
Protein change: p.Gln747Arg; replaces glutamine 747 with arginine.
Molecular consequence: missense variant.
Genome position (GRCh38, 1-based): chr2:165,912,596, T>C on the plus strand (A>G on the coding strand, the complement: TTC21B is on the minus strand). VCF-style: chr2-165912596-T-C. GRCh37 (hg19) VCF-style: chr2-166769106-T-C.
Other names: short protein forms Q747R.
Identifiers: ClinVar variation 100876 (VCV000100876.2), dbSNP rs483352753, ClinGen allele CA229179.